The following is an entry in ClinVar:

ClinVar aggregate classification (germline): Pathogenic. Review status: reviewed by expert panel (3 of 4 stars). 2 submissions from 2 submitters: Pathogenic (1). 1 of the submissions does not count toward it. Last evaluated 2013-09-05.

Conditions:
Hereditary cancer-predisposing syndrome. Also called: Tumor predisposition; Hereditary Cancer Syndrome; Hereditary neoplastic syndrome; Neoplastic Syndromes, Hereditary. Identifiers: Orphanet 140162, MedGen C0027672, MeSH D009386, MONDO:0015356.
Lynch syndrome. Identifiers: Orphanet 144, MedGen C4552100, MONDO:0005835. Disease mechanism: loss of function.

Submissions (2):

International Society for Gastrointestinal Hereditary Tumours (InSiGHT)
Classification: Pathogenic for Lynch Syndrome. Last evaluated: 2013-09-05. Review status: reviewed by expert panel. Criteria: Guidelines v1.9. Collection method: research. Allele origin: germline.
Comment: Coding sequence variation resulting in a stop codon

Classified with v1.9 guidelines

Ambry Genetics
Classification: Pathogenic for Hereditary cancer-predisposing syndrome. Last evaluated: 2021-03-09. Review status: criteria provided, single submitter. Criteria: Ambry Variant Classification Scheme 2023. Collection method: clinical testing. Allele origin: germline. Not counted in ClinVar's aggregate classification.
Comment: The c.710delG pathogenic mutation, located in coding exon 4 of the MSH6 gene, results from a deletion of one nucleotide at nucleotide position 710, causing a translational frameshift with a predicted alternate stop codon (p.G237Dfs*9). This alteration has been reported in an Australian Lynch syndrome family meeting Amsterdam II criteria (Talseth-Palmer BA et al. Hered Cancer Clin Pract, 2010 May;8:5). In addition to the clinical data presented in the literature, this alteration is expected to result in loss of function by premature protein truncation or nonsense-mediated mRNA decay. As such, this alteration is interpreted as a disease-causing mutation.

Literature cited by the submitters: PubMed 20487569 (cited by Ambry Genetics).

NM_000179.3(MSH6):c.710del (p.Gly237fs)

Gene: MSH6 (mutS homolog 6; plus strand). Cytogenetic location: 2p16.3.
Variant type: Deletion.
Coding change: c.710del on transcript NM_000179.3 (MANE Select); coding-DNA position 710, one base deleted (G; older notation c.710delG).
Protein change: p.Gly237fs; shifts the reading frame from glycine 237.
Molecular consequence: frameshift variant. On other transcripts: 5 prime UTR variant (2).
Genome position (GRCh38, 1-based): chr2:47,798,693, G deleted; the last of 2 consecutive G bases (chr2:47,798,692-47,798,693); deleting either gives the same sequence. VCF-style (leftmost placement, unchanged base first): chr2-47798691-AG-A. GRCh37 (hg19) VCF-style: chr2-48025830-AG-A.
Other names: c.320del, p.Gly107fs (NM_001281492.2); c.-197del (NM_001281493.2, NM_001281494.2); short protein forms G107fs.
Identifiers: ClinVar variation 89558 (VCV000089558.4), dbSNP rs587779319, ClinGen allele CA016310.